The following is an entry in ClinVar:

ClinVar aggregate classification (germline): Uncertain significance (1 of 4 stars; one submission).

Conditions:
Tuberous sclerosis 1 (TSC1). Identifiers: Orphanet 805, MedGen C1854465, MONDO:0008612, OMIM 191100.

Submission:

Labcorp Genetics (formerly Invitae), Labcorp
Classification: Uncertain significance for Tuberous sclerosis 1. Last evaluated: 2023-02-01. Review status: criteria provided, single submitter. Criteria: Invitae Variant Classification Sherloc (09022015). Collection method: clinical testing. Allele origin: germline.
Comment: In summary, the available evidence is currently insufficient to determine the role of this variant in disease. Therefore, it has been classified as a Variant of Uncertain Significance. Experimental studies and prediction algorithms are not available or were not evaluated, and the functional significance of this variant is currently unknown. This variant has not been reported in the literature in individuals affected with TSC1-related conditions. This variant is a copy number gain that occurs in a non-coding region of the TSC1 gene. It does not change the encoded amino acid sequence of the TSC1 protein.

NC_000009.11:g.(?_135819930)_(135942602_?)dup

Genes: GTF3C5 (general transcription factor IIIC subunit 5; plus strand), CEL (carboxyl ester lipase; plus strand), GFI1B (growth factor independent 1B transcriptional repressor; plus strand), TSC1 (TSC complex subunit 1; minus strand). Cytogenetic location: 9q34.13-34.2.
Variant type: Duplication.
Identifiers: ClinVar variation 1399108 (VCV001399108.2).